The following is an entry in ClinVar:

ClinVar aggregate classification (germline): Uncertain significance (1 of 4 stars; one submission).

Conditions:
MYT1L-related disorder. Also called: MYT1L-related condition.

Allele frequency attached by ClinVar (database versions not stated): TOPMed below 0.00001.

Submission:

PreventionGenetics, part of Exact Sciences
Classification: Uncertain significance for MYT1L-related condition. Last evaluated: 2022-09-29. Review status: criteria provided, single submitter. Criteria: ACMG Guidelines, 2015. Collection method: clinical testing. Allele origin: germline.
Comment: The MYT1L c.3246G>A variant is predicted to result in the amino acid substitution p.Met1082Ile. To our knowledge, this variant has not been reported in the literature or in a large population database, indicating this variant is rare. At this time, the clinical significance of this variant is uncertain due to the absence of conclusive functional and genetic evidence.

NM_001303052.2(MYT1L):c.3246G>A (p.Met1082Ile)

Gene: MYT1L (myelin transcription factor 1 like; minus strand). Cytogenetic location: 2p25.3.
Variant type: single nucleotide variant.
Coding change: c.3246G>A on transcript NM_001303052.2 (MANE Select); coding-DNA position 3246, G replaced by A.
Protein change: p.Met1082Ile; replaces methionine 1082 with isoleucine.
Molecular consequence: missense variant.
Genome position (GRCh38, 1-based): chr2:1,801,726, C>T on the plus strand (G>A on the coding strand, the complement: MYT1L is on the minus strand). VCF-style: chr2-1801726-C-T. GRCh37 (hg19) VCF-style: chr2-1805498-C-T.
Other names: c.3246G>A, p.Met1082Ile (NM_001329844.2, NM_001329845.1, NM_001329851.3); c.3240G>A, p.Met1080Ile (NM_001329846.3, NM_001329847.2, NM_001329848.1 and 3 more transcripts); short protein forms M1080I, M1082I.
Identifiers: ClinVar variation 2637378 (VCV002637378.1), dbSNP rs2034892543, ClinGen allele CA345735414.